The following is an entry in ClinVar:

ClinVar aggregate classification (germline): Uncertain significance (1 of 4 stars; one submission).

Allele frequency attached by ClinVar (database versions not stated): gnomAD exomes below 0.00001.

Submission:

Labcorp Genetics (formerly Invitae), Labcorp
Classification: Uncertain significance. Last evaluated: 2022-09-28. Review status: criteria provided, single submitter. Criteria: Invitae Variant Classification Sherloc (09022015). Collection method: clinical testing. Allele origin: germline.
Comment: In summary, the available evidence is currently insufficient to determine the role of this variant in disease. Therefore, it has been classified as a Variant of Uncertain Significance. Algorithms developed to predict the effect of missense changes on protein structure and function (SIFT, PolyPhen-2, Align-GVGD) all suggest that this variant is likely to be disruptive. This variant has not been reported in the literature in individuals affected with ADAMTS10-related conditions. This variant is present in population databases (rs782006965, gnomAD 0.0009%). This sequence change replaces glycine, which is neutral and non-polar, with arginine, which is basic and polar, at codon 661 of the ADAMTS10 protein (p.Gly661Arg).

NM_030957.4(ADAMTS10):c.1981G>A (p.Gly661Arg)

Gene: ADAMTS10 (ADAM metallopeptidase with thrombospondin type 1 motif 10; minus strand). Cytogenetic location: 19p13.2.
Variant type: single nucleotide variant.
Coding change: c.1981G>A on transcript NM_030957.4 (MANE Select); coding-DNA position 1981, G replaced by A.
Protein change: p.Gly661Arg; replaces glycine 661 with arginine.
Molecular consequence: missense variant.
Genome position (GRCh38, 1-based): chr19:8,589,505, C>T on the plus strand (G>A on the coding strand, the complement: ADAMTS10 is on the minus strand). VCF-style: chr19-8589505-C-T. GRCh37 (hg19) VCF-style: chr19-8654389-C-T.
Other names: c.442G>A, p.Gly148Arg (NM_001282352.2); short protein forms G148R, G661R.
Identifiers: ClinVar variation 2096761 (VCV002096761.4), dbSNP rs782006965, ClinGen allele CA9160286.
Genomic context (GRCh38, chr19:8,589,505, plus strand): 5'-CCTCCACCTTGCATTCGCCACTGACGCAAATGTCCACCGTGTCTGGACGGCAGGGTGTCC[C>T]GTCCACCACGGCTGCCGCCCTCTCCGTGTAGAAGTTGAAGCCTTCCGCTAGGCACGTGAG-3'
Protein context (NP_112219.3, residues 651-671): YTERAAAVVD[Gly661Arg]TPCRPDTVDI